The following is an entry in ClinVar:

ClinVar aggregate classification (germline): Likely pathogenic (1 of 4 stars; one submission).

Submission:

Labcorp Genetics (formerly Invitae), Labcorp
Classification: Likely pathogenic. Last evaluated: 2022-11-29. Review status: criteria provided, single submitter. Criteria: Invitae Variant Classification Sherloc (09022015). Collection method: clinical testing. Allele origin: germline.
Comment: In summary, the currently available evidence indicates that the variant is pathogenic, but additional data are needed to prove that conclusively. Therefore, this variant has been classified as Likely Pathogenic. This sequence change replaces proline, which is neutral and non-polar, with arginine, which is basic and polar, at codon 154 of the ATP6V1B1 protein (p.Pro154Arg). This variant is not present in population databases (gnomAD no frequency). This missense change has been observed in individual(s) with ATP6V1B1-related conditions (PMID: 28233610). In at least one individual the data is consistent with being in trans (on the opposite chromosome) from a pathogenic variant. It has also been observed to segregate with disease in related individuals. Advanced modeling of protein sequence and biophysical properties (such as structural, functional, and spatial information, amino acid conservation, physicochemical variation, residue mobility, and thermodynamic stability) performed at Invitae indicates that this missense variant is expected to disrupt ATP6V1B1 protein function. This variant disrupts the p.Pro154 amino acid residue in ATP6V1B1. Other variant(s) that disrupt this residue have been observed in individuals with ATP6V1B1-related conditions (Invitae), which suggests that this may be a clinically significant amino acid residue.

Literature cited by the submitters: PubMed 28233610.

NM_001692.4(ATP6V1B1):c.461C>G (p.Pro154Arg)

Gene: ATP6V1B1 (ATPase H+ transporting V1 subunit B1; plus strand). Cytogenetic location: 2p13.3.
Variant type: single nucleotide variant.
Coding change: c.461C>G on transcript NM_001692.4 (MANE Select); coding-DNA position 461, C replaced by G.
Protein change: p.Pro154Arg; replaces proline 154 with arginine.
Molecular consequence: missense variant.
Genome position (GRCh38, 1-based): chr2:70,959,954, C>G. VCF-style: chr2-70959954-C-G. GRCh37 (hg19) VCF-style: chr2-71187084-C-G.
Other names: short protein forms P154R.
Identifiers: ClinVar variation 2734204 (VCV002734204.3), dbSNP rs781822154, ClinGen allele CA347181823.